The following is an entry in ClinVar:

ClinVar aggregate classification (germline): Benign/Likely benign. Review status: criteria provided, multiple submitters, no conflicts (2 of 4 stars). 3 submissions from 3 submitters: Benign (1); Likely benign (1). 1 of the submissions does not count toward it. Last evaluated 2026-09-01.

Conditions:
Inborn genetic diseases. Identifiers: MedGen C0950123, MeSH D030342.
KDM6B-related disorder. Also called: KDM6B-related condition.

Submissions (3):

CeGaT Center for Human Genetics Tuebingen
Classification: Likely benign. Last evaluated: 2026-09-01. Review status: criteria provided, single submitter. Criteria: CeGaT Center For Human Genetics Tuebingen Variant Classification Criteria Version 2. Collection method: clinical testing. Allele origin: germline. Affected: yes. Observed: 9 variant alleles.
Comment: KDM6B: BS1

Ambry Genetics
Classification: Benign for Inborn genetic diseases. Last evaluated: 2025-12-04. Review status: criteria provided, single submitter. Criteria: Ambry Variant Classification Scheme 2023. Collection method: clinical testing. Allele origin: germline.

PreventionGenetics, part of Exact Sciences
Classification: Likely benign for KDM6B-related condition. Last evaluated: 2022-10-07. Review status: no assertion criteria provided. Collection method: clinical testing. Allele origin: germline. Not counted in ClinVar's aggregate classification.
Comment: This variant is classified as likely benign based on ACMG/AMP sequence variant interpretation guidelines (Richards et al. 2015 PMID: 25741868, with internal and published modifications).

NM_001348716.2(KDM6B):c.753ACC[17] (p.Pro264_Leu265insProProProPro)

Gene: KDM6B (lysine demethylase 6B; plus strand). Cytogenetic location: 17p13.1.
Variant type: Microsatellite.
Coding change: c.753ACC[17] on transcript NM_001348716.2 (MANE Select); 17 copies in a row of the 3-base unit ACC starting at c.753; the reference has 13 copies in a row; four copies, 12 bases duplicated.
Protein change: p.Pro264_Leu265insProProProPro.
Genome position (GRCh38, 1-based): chr17:7,846,887-7,846,898, ACCACCACCACC duplicated; duplicating any 12 consecutive bases within chr17:7,846,860-7,846,898 gives the same sequence; the position shown is the placement nearest the transcript's 3' end. VCF-style (leftmost placement, unchanged base first): chr17-7846859-T-TACCACCACCACC. GRCh37 (hg19) VCF-style: chr17-7750177-T-TACCACCACCACC.
Other names: c.780_791dupACCACCACCACC (NM_001080424.1); c.753ACC[17], p.Pro264_Leu265insProProProPro (NM_001080424.2).
Identifiers: ClinVar variation 3037897 (VCV003037897.12), dbSNP rs61462443, ClinGen allele CA775310778.